The following is an entry in ClinVar:

ClinVar aggregate classification (germline): Likely benign. Review status: criteria provided, multiple submitters, no conflicts (2 of 4 stars). 5 submissions from 5 submitters: Likely benign (5). Last evaluated 2026-02-03.

Conditions:
Inborn genetic diseases. Identifiers: MedGen C0950123, MeSH D030342.
Neuropathy, hereditary sensory, type 2C. Also called: Hereditary sensory and autonomic neuropathy type IIC; KIF1A-Related HSAN2 (HSAN2C). Identifiers: Orphanet 970, MedGen C3280168, MONDO:0013634, OMIM 614213.
Intellectual disability, autosomal dominant 9 (NESCAVS). Also called: NESCAV SYNDROME; KIF1A-Related Neurodevelopmental Disorder. Identifiers: Orphanet 662367, MedGen C5393830, MONDO:0013656, OMIM 614255.
Hereditary spastic paraplegia 30. Identifiers: Orphanet 101010, MedGen C5235139, MONDO:0012476.
KIF1A-related disorder. Also called: KIF1A-related disorders; KIF1A-related condition.

Allele frequency attached by ClinVar (database versions not stated): gnomAD exomes 0.00003 and 0.00004; gnomAD 0.00004 and 0.00005; TOPMed 0.00007; ESP Exome Variant Server 0.00008; ExAC 0.00009.
gnomAD v4.1: 48 of 1,599,756 alleles (0.003%); highest among the groups gnomAD compares: Admixed American, 0.0051%; no homozygotes.

Submissions (5):

PreventionGenetics, part of Exact Sciences
Classification: Likely benign for KIF1A-related condition. Last evaluated: 2026-02-03. Review status: criteria provided, single submitter. Criteria: ACMG Guidelines, 2015. Collection method: clinical testing. Allele origin: germline.
Comment: This variant is classified as likely benign based on ACMG/AMP sequence variant interpretation guidelines (Richards et al. 2015 PMID: 25741868, with internal and published modifications).

Labcorp Genetics (formerly Invitae), Labcorp
Classification: Likely benign for Hereditary spastic paraplegia 30; Neuropathy, hereditary sensory, type 2C; Intellectual disability, autosomal dominant 9. Last evaluated: 2026-01-11. Review status: criteria provided, single submitter. Criteria: Invitae Variant Classification Sherloc (09022015). Collection method: clinical testing. Allele origin: germline.

Blueprint Genetics
Classification: Likely benign. Last evaluated: 2023-11-09. Review status: criteria provided, single submitter. Criteria: ACMG Guidelines, 2015. Collection method: clinical testing. Allele origin: germline.

Ambry Genetics
Classification: Likely benign for Inborn genetic diseases. Last evaluated: 2019-07-11. Review status: criteria provided, single submitter. Criteria: Ambry Variant Classification Scheme 2023. Collection method: clinical testing. Allele origin: germline.

CeGaT Center for Human Genetics Tuebingen
Classification: Likely benign. Last evaluated: 2018-11-01. Review status: criteria provided, single submitter. Criteria: CeGaT Center For Human Genetics Tuebingen Variant Classification Criteria Version 2. Collection method: clinical testing. Allele origin: germline. Affected: yes. Observed: 2 variant alleles.

NM_001244008.2(KIF1A):c.3693C>T (p.His1231=)

Gene: KIF1A (kinesin family member 1A; minus strand). Cytogenetic location: 2q37.3.
Variant type: single nucleotide variant.
Coding change: c.3693C>T on transcript NM_001244008.2 (MANE Select); coding-DNA position 3693, C replaced by T.
Protein change: p.His1231=; no amino-acid change (histidine 1231 retained).
Molecular consequence: synonymous variant.
Genome position (GRCh38, 1-based): chr2:240,741,325, G>A on the plus strand (C>T on the coding strand, the complement: KIF1A is on the minus strand). VCF-style: chr2-240741325-G-A. GRCh37 (hg19) VCF-style: chr2-241680742-G-A.
Other names: c.3417C>T, p.His1139= (NM_001320705.2, NM_001330289.2, NM_001379638.1); c.3492C>T, p.His1164= (NM_001330290.2, NM_001379634.1, NM_001379635.1 and 1 more transcripts); c.3768C>T, p.His1256= (NM_001379631.1); c.3642C>T, p.His1214= (NM_001379632.1); c.3666C>T, p.His1222= (NM_001379633.1, NM_001379642.1, NM_001379645.1); c.3390C>T, p.His1130= (NM_001379636.1, NM_001379639.1, NM_001379641.1 and 5 more transcripts); c.3465C>T, p.His1155= (NM_001379637.1, NM_001379648.1); c.3387C>T, p.His1129= (NM_001379640.1); and 1 more.
Identifiers: ClinVar variation 493314 (VCV000493314.56), dbSNP rs375829173, ClinGen allele CA2207699.
Genomic context (GRCh38, chr2:240,741,325, plus strand): 5'-TCACTCGCCGTTGGCCTCCAGCTCACAGATCTCGAAGTAGACCAGCAGGTCGTACTTGCA[G>A]TGGCAGGGTCCCGGACAGGGCCGCGTCAGTGTGCTGAGCTTGGTGGCGGGCACTGTAGGG-3'
Protein context (NP_001230937.1, residues 1221-1241): TLTRPCPGPC[His1231=]CKYDLLVYFE